The following is an entry in ClinVar:

ClinVar aggregate classification (germline): Likely benign (1 of 4 stars; one submission).

Submission:

GeneDx
Classification: Likely benign. Last evaluated: 2021-12-06. Review status: criteria provided, single submitter. Criteria: GeneDx Variant Classification Process June 2021. Collection method: clinical testing. Allele origin: germline. Affected: yes.
Comment: See Variant Classification Assertion Criteria.

NM_198904.4(GABRG2):c.769+148del

Gene: GABRG2 (gamma-aminobutyric acid type A receptor subunit gamma2; plus strand). Cytogenetic location: 5q34.
Variant type: Deletion.
Coding change: c.769+148del on transcript NM_198904.4 (MANE Select); 148 bases into the intron after coding-DNA position 769, one base deleted (T; older notation c.769+148delT).
Molecular consequence: intron variant.
Genome position (GRCh38, 1-based): chr5:162,104,174, T deleted; the last of 2 consecutive T bases (chr5:162,104,173-162,104,174); deleting either gives the same sequence. VCF-style (leftmost placement, unchanged base first): chr5-162104172-AT-A. GRCh37 (hg19) VCF-style: chr5-161531178-AT-A.
Other names: c.484+148del (NM_001375349.1); c.889+148del (NM_001375343.1, NM_198903.2); c.769+148del (NM_001375344.1, NM_001375340.1, NM_001375341.1 and 2 more transcripts); c.349+148del (NM_001375350.1, NM_001375348.1); c.760+148del (NM_001375339.1); c.703+148del (NM_001375346.1, NM_001375345.1); c.682+148del (NM_001375347.1).
Identifiers: ClinVar variation 1691153 (VCV001691153.2), dbSNP rs576014796, ClinGen allele CA131112348.